The following is an entry in ClinVar:

ClinVar aggregate classification (germline): Uncertain significance (1 of 4 stars; one submission).

Conditions:
Inborn genetic diseases. Identifiers: MedGen C0950123, MeSH D030342.

Submission:

Ambry Genetics
Classification: Uncertain significance for Inborn genetic diseases. Last evaluated: 2021-12-11. Review status: criteria provided, single submitter. Criteria: Ambry Variant Classification Scheme 2023. Collection method: clinical testing. Allele origin: germline.
Comment: The p.I444L variant (also known as c.1330A>C), located in coding exon 14 of the ERCC2 gene, results from an A to C substitution at nucleotide position 1330. The isoleucine at codon 444 is replaced by leucine, an amino acid with highly similar properties. This amino acid position is conserved. In addition, the in silico prediction for this alteration is inconclusive. Since supporting evidence is limited at this time, the clinical significance of this alteration remains unclear.

NM_000400.4(ERCC2):c.1330A>C (p.Ile444Leu)

Gene: ERCC2 (ERCC excision repair 2, TFIIH core complex helicase subunit; minus strand). Cytogenetic location: 19q13.32.
Variant type: single nucleotide variant.
Coding change: c.1330A>C on transcript NM_000400.4 (MANE Select); coding-DNA position 1330, A replaced by C.
Protein change: p.Ile444Leu; replaces isoleucine 444 with leucine.
Molecular consequence: missense variant.
Genome position (GRCh38, 1-based): chr19:45,357,521, T>G on the plus strand (A>C on the coding strand, the complement: ERCC2 is on the minus strand). VCF-style: chr19-45357521-T-G. GRCh37 (hg19) VCF-style: chr19-45860779-T-G.
Other names: short protein forms I444L.
Identifiers: ClinVar variation 1770131 (VCV001770131.2), dbSNP rs772366393, ClinGen allele CA406367640.